The following is an entry in ClinVar:

NM_000719.7(CACNA1C):c.4919T>A (p.Val1640Glu)

Genes: CACNA1C (calcium voltage-gated channel subunit alpha1 C; plus strand), CACNA1C-AS1 (CACNA1C antisense RNA 1; minus strand). Cytogenetic location: 12p13.33.
Variant type: single nucleotide variant.
Coding change: c.4919T>A on transcript NM_000719.7 (MANE Select); coding-DNA position 4919, T replaced by A.
Protein change: p.Val1640Glu; replaces valine 1640 with glutamic acid.
Molecular consequence: missense variant. On other transcripts: non-coding transcript variant (1).
Genome position (GRCh38, 1-based): chr12:2,677,184, T>A. VCF-style: chr12-2677184-T-A. GRCh37 (hg19) VCF-style: chr12-2786350-T-A.
Other names: c.5063T>A, p.Val1688Glu (NM_001129827.2, NM_199460.4); c.5042T>A, p.Val1681Glu (NM_001129829.2); c.4919T>A, p.Val1640Glu (NM_001129830.3, NM_001129840.2, NM_001129841.2 and 4 more transcripts); c.5003T>A, p.Val1668Glu (NM_001129831.2); c.4979T>A, p.Val1660Glu (NM_001129832.2); c.4976T>A, p.Val1659Glu (NM_001129833.2, NM_001129834.2, NM_001129835.2); c.4970T>A, p.Val1657Glu (NM_001129836.2); c.4943T>A, p.Val1648Glu (NM_001129837.2, NM_001129838.2); and 3 more; short protein forms V1640E, V1646E, V1648E, V1637E, V1660E, V1681E, V1629E, V1668E.
Identifiers: ClinVar variation 3653463 (VCV003653463.3).
Genomic context (GRCh38, chr12:2,677,184, plus strand): 5'-CCACGTTCCTGATCCAGGAGTACTTCCGGAAGTTCAAGAAGCGCAAAGAGCAGGGCCTTG[T>A]GGGCAAGCCCTCCCAGAGGAACGCGCTGTCTCTGCAGGTGAGGGCCTGGGGGCGGGCCCA-3'
Protein context (NP_000710.5, residues 1630-1650): KFKKRKEQGL[Val1640Glu]GKPSQRNALS

ClinVar aggregate classification (germline): Uncertain significance. Review status: criteria provided, multiple submitters, no conflicts (2 of 4 stars). 2 submissions from 2 submitters: Uncertain significance (2). Last evaluated 2025-05-07.

Conditions:
Long QT syndrome (LQTS). Identifiers: MedGen C0023976, MeSH D008133, MONDO:0002442. Disease mechanism: loss of function. Inheritance: Various modes of inheritance.
Cardiovascular phenotype. Identifiers: MedGen CN230736.

gnomAD v4.1: 1 of 1,613,854 alleles (0.000062%); highest among the groups gnomAD compares: Non-Finnish European, 0.000085%; no homozygotes.

Submissions (2):

Ambry Genetics
Classification: Uncertain significance for Cardiovascular phenotype. Last evaluated: 2025-05-07. Review status: criteria provided, single submitter. Criteria: Ambry Variant Classification Scheme 2023. Collection method: clinical testing. Allele origin: germline.
Comment: The p.V1640E variant (also known as c.4919T>A), located in coding exon 40 of the CACNA1C gene, results from a T to A substitution at nucleotide position 4919. The valine at codon 1640 is replaced by glutamic acid, an amino acid with dissimilar properties. This amino acid position is well conserved in available vertebrate species. In addition, this alteration is predicted to be deleterious by in silico analysis. Based on the available evidence, the clinical significance of this variant remains unclear.

Labcorp Genetics (formerly Invitae), Labcorp
Classification: Uncertain significance for Long QT syndrome. Last evaluated: 2024-05-15. Review status: criteria provided, single submitter. Criteria: Invitae Variant Classification Sherloc (09022015). Collection method: clinical testing. Allele origin: germline.
Comment: This sequence change replaces valine, which is neutral and non-polar, with glutamic acid, which is acidic and polar, at codon 1640 of the CACNA1C protein (p.Val1640Glu). This variant is not present in population databases (gnomAD no frequency). This variant has not been reported in the literature in individuals affected with CACNA1C-related conditions. Advanced modeling of protein sequence and biophysical properties (such as structural, functional, and spatial information, amino acid conservation, physicochemical variation, residue mobility, and thermodynamic stability) performed at Invitae indicates that this missense variant is not expected to disrupt CACNA1C protein function with a negative predictive value of 95%. In summary, the available evidence is currently insufficient to determine the role of this variant in disease. Therefore, it has been classified as a Variant of Uncertain Significance.